The following is an entry in ClinVar:

ClinVar aggregate classification (germline): Uncertain significance (0 of 4 stars; one submission).

Conditions:
PLXNA2-related disorder. Also called: PLXNA2-related condition.

Submission:

PreventionGenetics, part of Exact Sciences
Classification: Uncertain significance for PLXNA2-related condition. Last evaluated: 2024-06-28. Review status: no assertion criteria provided. Collection method: clinical testing. Allele origin: germline.
Comment: The PLXNA2 c.3533A>G variant is predicted to result in the amino acid substitution p.Lys1178Arg. To our knowledge, this variant has not been reported in the literature or in a large population database, indicating this variant is rare. At this time, the clinical significance of this variant is uncertain due to the absence of conclusive functional and genetic evidence.

NM_025179.4(PLXNA2):c.3533A>G (p.Lys1178Arg)

Gene: PLXNA2 (plexin A2; minus strand). Cytogenetic location: 1q32.2.
Variant type: single nucleotide variant.
Coding change: c.3533A>G on transcript NM_025179.4 (MANE Select); coding-DNA position 3533, A replaced by G.
Protein change: p.Lys1178Arg; replaces lysine 1178 with arginine.
Molecular consequence: missense variant.
Genome position (GRCh38, 1-based): chr1:208,045,173, T>C on the plus strand (A>G on the coding strand, the complement: PLXNA2 is on the minus strand). VCF-style: chr1-208045173-T-C. GRCh37 (hg19) VCF-style: chr1-208218518-T-C.
Other names: short protein forms K1178R.
Identifiers: ClinVar variation 3354769 (VCV003354769.1).